The following is an entry in ClinVar:

ClinVar aggregate classification (germline): Conflicting classifications of pathogenicity. Review status: criteria provided, conflicting classifications (1 of 4 stars). 2 submissions from 2 submitters: Likely pathogenic (1); Uncertain significance (1). Last evaluated 2026-07-10.

Conditions:
Cardiovascular phenotype. Identifiers: MedGen CN230736.
Hereditary cancer-predisposing syndrome. Also called: Hereditary Cancer Syndrome; Tumor predisposition; Neoplastic Syndromes, Hereditary; Hereditary neoplastic syndrome. Identifiers: Orphanet 140162, MedGen C0027672, MeSH D009386, MONDO:0015356.

Allele frequency attached by ClinVar (database versions not stated): TOPMed below 0.00001.

Submissions (2):

Ambry Genetics
Classification: Uncertain significance for Cardiovascular phenotype; Hereditary cancer-predisposing syndrome. Last evaluated: 2026-07-10. Review status: criteria provided, single submitter. Criteria: Ambry Variant Classification Scheme 2023. Collection method: clinical testing. Allele origin: germline.
Comment: The c.2220-1G>C intronic variant results from a G to C substitution one nucleotide upstream from coding exon 19 of the LZTR1 gene. This nucleotide position is highly conserved in available vertebrate species. In silico splice site analysis predicts that this alteration will weaken the native splice acceptor site. However, this alteration is located within a U12-type intron and in silico tools are not reliable predictors of splice sites in this type of intron. In addition, direct evidence is insufficient at this time (Ambry internal data). Based on the available evidence, the clinical significance of this variant remains unclear.

Labcorp Genetics (formerly Invitae), Labcorp
Classification: Likely pathogenic. Last evaluated: 2024-03-04. Review status: criteria provided, single submitter. Criteria: Invitae Variant Classification Sherloc (09022015). Collection method: clinical testing. Allele origin: germline.
Comment: This sequence change affects an acceptor splice site in intron 18 of the LZTR1 gene. It is expected to disrupt RNA splicing. Variants that disrupt the donor or acceptor splice site typically lead to a loss of protein function (PMID: 16199547), and loss-of-function variants in LZTR1 are known to be pathogenic (PMID: 24362817, 25335493, 25480913, 25795793, 29469822, 30368668, 30442762, 30442766, 30481304, 30859559). This variant is not present in population databases (gnomAD no frequency). This variant has not been reported in the literature in individuals affected with LZTR1-related conditions. ClinVar contains an entry for this variant (Variation ID: 1499871). Algorithms developed to predict the effect of sequence changes on RNA splicing suggest that this variant may disrupt the consensus splice site. In summary, the currently available evidence indicates that the variant is pathogenic, but additional data are needed to prove that conclusively. Therefore, this variant has been classified as Likely Pathogenic.

Literature cited by the submitters: PubMed 16199547 (cited by Labcorp Genetics (formerly Invitae), Labcorp); PubMed 24362817 (cited by Labcorp Genetics (formerly Invitae), Labcorp); PubMed 25335493 (cited by Labcorp Genetics (formerly Invitae), Labcorp); PubMed 25480913 (cited by Labcorp Genetics (formerly Invitae), Labcorp); PubMed 25795793 (cited by Labcorp Genetics (formerly Invitae), Labcorp); PubMed 29469822 (cited by Labcorp Genetics (formerly Invitae), Labcorp); PubMed 30368668 (cited by Labcorp Genetics (formerly Invitae), Labcorp); PubMed 30442762 (cited by Labcorp Genetics (formerly Invitae), Labcorp); PubMed 30442766 (cited by Labcorp Genetics (formerly Invitae), Labcorp); PubMed 30481304 (cited by Labcorp Genetics (formerly Invitae), Labcorp); PubMed 30859559 (cited by Labcorp Genetics (formerly Invitae), Labcorp).

NM_006767.4(LZTR1):c.2220-1G>C

Gene: LZTR1 (leucine zipper like post translational regulator 1; plus strand). Cytogenetic location: 22q11.21.
Variant type: single nucleotide variant.
Coding change: c.2220-1G>C on transcript NM_006767.4 (MANE Select); the canonical splice acceptor site of the intron before coding-DNA position 2220, G replaced by C.
Molecular consequence: splice acceptor variant.
Genome position (GRCh38, 1-based): chr22:20,996,695, G>C. VCF-style: chr22-20996695-G-C. GRCh37 (hg19) VCF-style: chr22-21350984-G-C.
Other names: c.2220-1G>C (NM_006767.3).
Identifiers: ClinVar variation 1499871 (VCV001499871.8), dbSNP rs1924863354, ClinGen allele CA410780720.